The following is an entry in ClinVar:

NM_021969.3(NR0B2):c.415C>T (p.Pro139Ser)

Genes: NR0B2 (nuclear receptor subfamily 0 group B member 2; minus strand), NUDC (nuclear distribution C, dynein complex regulator; plus strand). Cytogenetic location: 1p36.11.
Variant type: single nucleotide variant.
Coding change: c.415C>T on transcript NM_021969.3 (MANE Select); coding-DNA position 415, C replaced by T.
Protein change: p.Pro139Ser; replaces proline 139 with serine.
Molecular consequence: missense variant.
Genome position (GRCh38, 1-based): chr1:26,913,526, G>A on the plus strand (C>T on the coding strand, the complement: NR0B2 is on the minus strand). VCF-style: chr1-26913526-G-A. GRCh37 (hg19) VCF-style: chr1-27240017-G-A.
Other names: short protein forms P139S.
Identifiers: ClinVar variation 3058115 (VCV003058115.3), dbSNP rs372581033, ClinGen allele CA709653.

ClinVar aggregate classification (germline): Uncertain significance. Review status: criteria provided, single submitter (1 of 4 stars). 2 submissions from 2 submitters: Uncertain significance (1). 1 of the submissions does not count toward it. Last evaluated 2025-10-22.

Conditions:
NR0B2-related disorder. Also called: NR0B2-related condition.

Allele frequency attached by ClinVar (database versions not stated): TOPMed 0.00005; gnomAD 0.00007; ESP Exome Variant Server 0.00008.
gnomAD v4.1: 185 of 1,613,620 alleles (0.011%); highest among the groups gnomAD compares: Middle Eastern, 0.033%; no homozygotes.

Submissions (2):

Labcorp Genetics (formerly Invitae), Labcorp
Classification: Uncertain significance. Last evaluated: 2025-10-22. Review status: criteria provided, single submitter. Criteria: Invitae Variant Classification Sherloc (09022015). Collection method: clinical testing. Allele origin: germline.
Comment: This sequence change replaces proline, which is neutral and non-polar, with serine, which is neutral and polar, at codon 139 of the NR0B2 protein (p.Pro139Ser). This variant is present in population databases (rs372581033, gnomAD 0.01%). This variant has not been reported in the literature in individuals affected with NR0B2-related conditions. ClinVar contains an entry for this variant (Variation ID: 3058115). Invitae Evidence Modeling of protein sequence and biophysical properties (such as structural, functional, and spatial information, amino acid conservation, physicochemical variation, residue mobility, and thermodynamic stability) indicates that this missense variant is not expected to disrupt NR0B2 protein function with a negative predictive value of 80%. In summary, the available evidence is currently insufficient to determine the role of this variant in disease. Therefore, it has been classified as a Variant of Uncertain Significance.

PreventionGenetics, part of Exact Sciences
Classification: Uncertain significance for NR0B2-related condition. Last evaluated: 2024-05-07. Review status: no assertion criteria provided. Collection method: clinical testing. Allele origin: germline. Not counted in ClinVar's aggregate classification.
Comment: The NR0B2 c.415C>T variant is predicted to result in the amino acid substitution p.Pro139Ser. To our knowledge, this variant has not been reported in the literature. This variant is reported in 0.01% of alleles in individuals of European (Non-Finnish) descent in gnomAD. An alternate missense change at this amino acid position has been reported in individuals with obesity in one study; however, functional studies did not show any effect on the protein (Echwald et al. 2004. PubMed ID: 15459958). At this time, the clinical significance of this variant is uncertain due to the absence of conclusive functional and genetic evidence.